The following is an entry in ClinVar:

NM_000179.3(MSH6):c.2149G>T (p.Val717Phe)

Gene: MSH6 (mutS homolog 6; plus strand). Cytogenetic location: 2p16.3.
Variant type: single nucleotide variant.
Coding change: c.2149G>T on transcript NM_000179.3 (MANE Select); coding-DNA position 2149, G replaced by T.
Protein change: p.Val717Phe; replaces valine 717 with phenylalanine.
Molecular consequence: missense variant.
Genome position (GRCh38, 1-based): chr2:47,800,132, G>T. VCF-style: chr2-47800132-G-T. GRCh37 (hg19) VCF-style: chr2-48027271-G-T.
Other names: c.1759G>T, p.Val587Phe (NM_001281492.2); c.1243G>T, p.Val415Phe (NM_001281493.2, NM_001281494.2); short protein forms V415F, V717F, V587F.
Identifiers: ClinVar variation 655827 (VCV000655827.12), dbSNP rs1558664476, ClinGen allele CA346751107.

ClinVar aggregate classification (germline): Uncertain significance. Review status: criteria provided, multiple submitters, no conflicts (2 of 4 stars). 2 submissions from 2 submitters: Uncertain significance (2). Last evaluated 2024-08-08.

Conditions:
Hereditary nonpolyposis colorectal neoplasms. Identifiers: MedGen C0009405, MeSH D003123.
Hereditary cancer-predisposing syndrome. Also called: Hereditary neoplastic syndrome; Tumor predisposition; Neoplastic Syndromes, Hereditary; Hereditary Cancer Syndrome. Identifiers: Orphanet 140162, MedGen C0027672, MeSH D009386, MONDO:0015356.

Submissions (2):

Ambry Genetics
Classification: Uncertain significance for Hereditary cancer-predisposing syndrome. Last evaluated: 2024-08-08. Review status: criteria provided, single submitter. Criteria: Ambry Variant Classification Scheme 2023. Collection method: clinical testing. Allele origin: germline.
Comment: The p.V717F variant (also known as c.2149G>T), located in coding exon 4 of the MSH6 gene, results from a G to T substitution at nucleotide position 2149. The valine at codon 717 is replaced by phenylalanine, an amino acid with highly similar properties. This amino acid position is not well conserved in available vertebrate species. In addition, the in silico prediction for this alteration is inconclusive. Based on the available evidence, the clinical significance of this variant remains unclear.

Labcorp Genetics (formerly Invitae), Labcorp
Classification: Uncertain significance for Hereditary nonpolyposis colorectal neoplasms. Last evaluated: 2023-11-05. Review status: criteria provided, single submitter. Criteria: Invitae Variant Classification Sherloc (09022015). Collection method: clinical testing. Allele origin: germline.
Comment: This sequence change replaces valine, which is neutral and non-polar, with phenylalanine, which is neutral and non-polar, at codon 717 of the MSH6 protein (p.Val717Phe). This variant is not present in population databases (gnomAD no frequency). This variant has not been reported in the literature in individuals affected with MSH6-related conditions. ClinVar contains an entry for this variant (Variation ID: 655827). Advanced modeling of protein sequence and biophysical properties (such as structural, functional, and spatial information, amino acid conservation, physicochemical variation, residue mobility, and thermodynamic stability) performed at Invitae indicates that this missense variant is not expected to disrupt MSH6 protein function with a negative predictive value of 95%. In summary, the available evidence is currently insufficient to determine the role of this variant in disease. Therefore, it has been classified as a Variant of Uncertain Significance.